The following is an entry in ClinVar:

NM_000059.4(BRCA2):c.1148T>A (p.Ile383Asn)

Gene: BRCA2 (BRCA2 DNA repair associated; plus strand). Cytogenetic location: 13q13.1.
Variant type: single nucleotide variant.
Coding change: c.1148T>A on transcript NM_000059.4 (MANE Select); coding-DNA position 1148, T replaced by A.
Protein change: p.Ile383Asn; replaces isoleucine 383 with asparagine.
Molecular consequence: missense variant.
Genome position (GRCh38, 1-based): chr13:32,332,626, T>A. VCF-style: chr13-32332626-T-A. GRCh37 (hg19) VCF-style: chr13-32906763-T-A.
Other names: short protein forms I383N.
Identifiers: ClinVar variation 861252 (VCV000861252.11), dbSNP rs2072405281, ClinGen allele CA387761857.
Genomic context (GRCh38, chr13:32,332,626, plus strand): 5'-CTGATCCATTAGATTCAAATGTAGCAAATCAGAAGCCCTTTGAGAGTGGAAGTGACAAAA[T>A]CTCCAAGGAAGTTGTACCGTCTTTGGCCTGTGAATGGTCTCAACTAACCCTTTCAGGTCT-3'
Protein context (NP_000050.3, residues 373-393): QKPFESGSDK[Ile383Asn]SKEVVPSLAC

ClinVar aggregate classification (germline): Conflicting classifications of pathogenicity. Review status: criteria provided, conflicting classifications (1 of 4 stars). 2 submissions from 2 submitters: Uncertain significance (1); Likely benign (1). Last evaluated 2023-03-23.

Conditions:
Hereditary breast ovarian cancer syndrome. Also called: Hereditary breast and ovarian cancer; Breast and ovarian cancer; Hereditary breast and/or ovarian cancer syndrome; Hereditary breast and ovarian cancer syndrome; Hereditary breast and ovarian cancer syndrome (HBOC); BRCA1- and BRCA2-Associated Hereditary Breast and Ovarian Cancer. Identifiers: Orphanet 145, MedGen C0677776, MeSH D061325, MONDO:0003582. Disease mechanism: loss of function.
Hereditary cancer-predisposing syndrome. Also called: Tumor predisposition; Hereditary neoplastic syndrome; Neoplastic Syndromes, Hereditary; Hereditary Cancer Syndrome. Identifiers: Orphanet 140162, MedGen C0027672, MeSH D009386, MONDO:0015356.

Submissions (2):

University of Washington Department of Laboratory Medicine, University of Washington
Classification: Likely benign for Hereditary cancer-predisposing syndrome. Last evaluated: 2023-03-23. Review status: criteria provided, single submitter. Criteria: Dines et al. (Genet Med. 2020). Collection method: curation. Allele origin: germline.
Comment: Missense variant in a coldspot region where missense variants are very unlikely to be pathogenic (PMID:31911673).

BRCA2 exon 10 coldspot. Reclassification based on statistical prior probability.

Labcorp Genetics (formerly Invitae), Labcorp
Classification: Uncertain significance for Hereditary breast ovarian cancer syndrome. Last evaluated: 2020-01-06. Review status: criteria provided, single submitter. Criteria: Invitae Variant Classification Sherloc (09022015). Collection method: clinical testing. Allele origin: germline.
Comment: This sequence change replaces isoleucine with asparagine at codon 383 of the BRCA2 protein (p.Ile383Asn). The isoleucine residue is moderately conserved and there is a large physicochemical difference between isoleucine and asparagine. In summary, the available evidence is currently insufficient to determine the role of this variant in disease. Therefore, it has been classified as a Variant of Uncertain Significance. Algorithms developed to predict the effect of missense changes on protein structure and function are either unavailable or do not agree on the potential impact of this missense change (SIFT: "Deleterious"; PolyPhen-2: "Probably Damaging"; Align-GVGD: "Class C0"). This variant has not been reported in the literature in individuals with BRCA2-related conditions. This variant is not present in population databases (ExAC no frequency).